The following is an entry in ClinVar:

NM_174936.4(PCSK9):c.422A>T (p.Asp141Val)

Gene: PCSK9 (proprotein convertase subtilisin/kexin type 9; plus strand). Cytogenetic location: 1p32.3.
Variant type: single nucleotide variant.
Coding change: c.422A>T on transcript NM_174936.4 (MANE Select); coding-DNA position 422, A replaced by T.
Protein change: p.Asp141Val; replaces aspartic acid 141 with valine.
Molecular consequence: missense variant.
Genome position (GRCh38, 1-based): chr1:55,046,545, A>T. VCF-style: chr1-55046545-A-T. GRCh37 (hg19) VCF-style: chr1-55512218-A-T.
Other names: short protein forms D141V.
Identifiers: ClinVar variation 631108 (VCV000631108.6), dbSNP rs1557500688, ClinGen allele CA340484521.
Genomic context (GRCh38, chr1:55,046,545, plus strand): 5'-GCTTAAGCAGAGTCCCCCGGCCTCTCTGGCTTCTGCAGGCCTTGAAGTTGCCCCATGTCG[A>T]CTACATCGAGGAGGACTCCTCTGTCTTTGCCCAGAGCATCCCGTGGAACCTGGAGCGGAT-3'
Protein context (NP_777596.2, residues 131-151): LELALKLPHV[Asp141Val]YIEEDSSVFA

ClinVar aggregate classification (germline): Uncertain significance (1 of 4 stars; one submission).

Conditions:
Familial hypercholesterolemia. Also called: Familial hypercholesterolaemia. Identifiers: MedGen C0020445, MONDO:0005439.

Submission:

Color Diagnostics, LLC DBA Color Health
Classification: Uncertain significance for Familial hypercholesterolemia. Last evaluated: 2023-12-05. Review status: criteria provided, single submitter. Criteria: ACMG Guidelines, 2015. Collection method: clinical testing. Allele origin: germline.
Comment: This missense variant replaces aspartic acid with valine at codon 141 of the PCSK9 protein. Computational prediction tools and conservation analyses are inconclusive regarding the impact of this variant on the protein function. Computational splicing tools suggest that this variant may not impact RNA splicing. To our knowledge, functional assays have not been performed for this variant nor has this variant been reported in individuals affected with familial hypercholesterolemia in the literature. This variant has not been identified in the general population by the Genome Aggregation Database (gnomAD). Available evidence is insufficient to determine the role of this variant in disease conclusively. Therefore, this variant is classified as a Variant of Uncertain Significance.